The following is an entry in ClinVar:

NM_130384.3(ATRIP):c.2027C>G (p.Thr676Ser)

Genes: ATRIP (ATR interacting protein; plus strand), ATRIP-TREX1 (ATRIP-TREX1 readthrough; plus strand). Cytogenetic location: 3p21.31.
Variant type: single nucleotide variant.
Coding change: c.2027C>G on transcript NM_130384.3 (MANE Select); coding-DNA position 2027, C replaced by G.
Protein change: p.Thr676Ser; replaces threonine 676 with serine.
Molecular consequence: missense variant. On other transcripts: non-coding transcript variant (1), intron variant (1).
Genome position (GRCh38, 1-based): chr3:48,464,634, C>G. VCF-style: chr3-48464634-C-G. GRCh37 (hg19) VCF-style: chr3-48506033-C-G.
Other names: c.1646C>G, p.Thr549Ser (NM_001271022.2); c.1748C>G, p.Thr583Ser (NM_001271023.2); c.1975-197C>G (NM_032166.4); short protein forms T549S, T583S, T676S.
Identifiers: ClinVar variation 4826268 (VCV004826268.1).

ClinVar aggregate classification (germline): Uncertain significance (1 of 4 stars; one submission).

Submission:

Ambry Genetics
Classification: Uncertain significance. Last evaluated: 2026-02-24. Review status: criteria provided, single submitter. Criteria: Ambry Variant Classification Scheme 2023. Collection method: clinical testing. Allele origin: germline.
Comment: The p.T676S variant (also known as c.2027C>G), located in coding exon 11 of the ATRIP gene, results from a C to G substitution at nucleotide position 2027. The threonine at codon 676 is replaced by serine, an amino acid with similar properties. This amino acid position is conserved. In addition, this alteration is predicted to be tolerated by in silico analysis. Based on the available evidence, the clinical significance of this variant remains unclear.